The following is an entry in ClinVar:

NM_003611.3(OFD1):c.905_906del (p.Glu302fs)

Gene: OFD1 (OFD1 centriole and centriolar satellite protein; plus strand). Cytogenetic location: Xp22.2.
Variant type: Microsatellite.
Coding change: c.905_906del on transcript NM_003611.3 (MANE Select); coding-DNA positions 905 to 906, 2 bases deleted (AG; older notation c.905_906delAG).
Protein change: p.Glu302fs; shifts the reading frame from glutamic acid 302.
Molecular consequence: frameshift variant.
Genome position (GRCh38, 1-based): chrX:13,749,503-13,749,504, AG deleted; deleting any 2 consecutive bases within chrX:13,749,501-13,749,504 gives the same sequence; the c. name uses the placement nearest the transcript's 3' end. VCF-style (leftmost placement, unchanged base first): chrX-13749500-CAG-C. GRCh37 (hg19) VCF-style: chrX-13767619-CAG-C.
Other names: c.905_906del, p.Glu302fs (NM_001330209.2); c.485_486del, p.Glu162fs (NM_001330210.2); short protein forms E162fs, E302fs.
Identifiers: ClinVar variation 1456831 (VCV001456831.6), dbSNP rs2146984250, ClinGen allele CA2580615382.

ClinVar aggregate classification (germline): Pathogenic (1 of 4 stars; one submission).

Conditions:
Joubert syndrome. Also called: CEREBELLOPARENCHYMAL DISORDER IV; JOUBERT-BOLTSHAUSER SYNDROME; Familial aplasia of the vermis. Identifiers: Orphanet 475, MedGen C5979921, MONDO:0018772.
Orofaciodigital syndrome I (OFD1). Also called: OFDS I; Papillon-Leage and Psaume Syndrome; Oral-Facial-Digital Syndrome Type I. Identifiers: Orphanet 2750, MedGen C1510460, MONDO:0010702, OMIM 311200.

Submission:

Labcorp Genetics (formerly Invitae), Labcorp
Classification: Pathogenic for Orofaciodigital syndrome I; Joubert syndrome. Last evaluated: 2021-04-23. Review status: criteria provided, single submitter. Criteria: Invitae Variant Classification Sherloc (09022015). Collection method: clinical testing. Allele origin: germline.
Comment: For these reasons, this variant has been classified as Pathogenic. This sequence change creates a premature translational stop signal (p.Glu302Alafs*6) in the OFD1 gene. It is expected to result in an absent or disrupted protein product. Loss-of-function variants in OFD1 are known to be pathogenic (PMID: 16783569, 18546297, 27081566). This variant is not present in population databases (ExAC no frequency). This variant has not been reported in the literature in individuals with OFD1-related conditions.

Literature cited by the submitters: PubMed 16783569; PubMed 18546297; PubMed 27081566.